The following is an entry in ClinVar:

ClinVar aggregate classification (germline): Likely benign (1 of 4 stars; one submission).

Conditions:
TBX3-related disorder. Also called: TBX3-related condition.

Submission:

PreventionGenetics, part of Exact Sciences
Classification: Likely benign for TBX3-related condition. Last evaluated: 2025-12-26. Review status: criteria provided, single submitter. Criteria: ACMG Guidelines, 2015. Collection method: clinical testing. Allele origin: germline.
Comment: This variant is classified as likely benign based on ACMG/AMP sequence variant interpretation guidelines (Richards et al. 2015 PMID: 25741868, with internal and published modifications).

NM_005996.4(TBX3):c.1665G>C (p.Ala555=)

Gene: TBX3 (T-box transcription factor 3; minus strand). Cytogenetic location: 12q24.21.
Variant type: single nucleotide variant.
Coding change: c.1665G>C on transcript NM_005996.4 (MANE Select); coding-DNA position 1665, G replaced by C.
Protein change: p.Ala555=; no amino-acid change (alanine 555 retained).
Molecular consequence: synonymous variant.
Genome position (GRCh38, 1-based): chr12:114,674,210, C>G on the plus strand (G>C on the coding strand, the complement: TBX3 is on the minus strand). VCF-style: chr12-114674210-C-G. GRCh37 (hg19) VCF-style: chr12-115112015-C-G.
Other names: c.1725G>C, p.Ala575= (NM_016569.4).
Identifiers: ClinVar variation 4977999 (VCV004977999.1).